The following is an entry in ClinVar:

ClinVar aggregate classification (germline): Uncertain significance (1 of 4 stars; one submission).

Conditions:
Hereditary cancer-predisposing syndrome. Also called: Neoplastic Syndromes, Hereditary; Tumor predisposition; Hereditary Cancer Syndrome; Hereditary neoplastic syndrome. Identifiers: Orphanet 140162, MedGen C0027672, MeSH D009386, MONDO:0015356.

Submission:

Ambry Genetics
Classification: Uncertain significance for Hereditary cancer-predisposing syndrome. Last evaluated: 2026-06-09. Review status: criteria provided, single submitter. Criteria: Ambry Variant Classification Scheme 2023. Collection method: clinical testing. Allele origin: germline.
Comment: The p.H73Q variant (also known as c.219C>A), located in coding exon 1 of the SMARCA4 gene, results from a C to A substitution at nucleotide position 219. The histidine at codon 73 is replaced by glutamine, an amino acid with highly similar properties. This amino acid position is conserved. In addition, the in silico prediction for this alteration is inconclusive. Based on the available evidence, the clinical significance of this variant remains unclear.

NM_003072.5(SMARCA4):c.219C>A (p.His73Gln)

Gene: SMARCA4 (SWI/SNF related BAF chromatin remodeling complex subunit ATPase 4; plus strand). Cytogenetic location: 19p13.2.
Variant type: single nucleotide variant.
Coding change: c.219C>A on transcript NM_003072.5 (MANE Select); coding-DNA position 219, C replaced by A.
Protein change: p.His73Gln; replaces histidine 73 with glutamine.
Molecular consequence: missense variant. On other transcripts: non-coding transcript variant (1).
Genome position (GRCh38, 1-based): chr19:10,984,370, C>A. VCF-style: chr19-10984370-C-A. GRCh37 (hg19) VCF-style: chr19-11095046-C-A.
Other names: c.219C>A, p.His73Gln (NM_001128844.3, NM_001128845.2, NM_001128846.2 and 6 more transcripts); short protein forms H73Q.
Identifiers: ClinVar variation 4864804 (VCV004864804.1).